The following is an entry in ClinVar:

NM_019053.6(EXOC6):c.387A>G (p.Val129=)

Gene: EXOC6 (exocyst complex component 6; plus strand). Cytogenetic location: 10q23.33.
Variant type: single nucleotide variant.
Coding change: c.387A>G on transcript NM_019053.6 (MANE Select); coding-DNA position 387, A replaced by G.
Protein change: p.Val129=; no amino-acid change (valine 129 retained).
Molecular consequence: synonymous variant.
Genome position (GRCh38, 1-based): chr10:92,894,995, A>G. VCF-style: chr10-92894995-A-G. GRCh37 (hg19) VCF-style: chr10-94654752-A-G.
Other names: c.372A>G, p.Val124= (NM_001013848.4); c.435A>G, p.Val145= (NM_001319194.2); c.387A>G, p.Val129= (NM_001319195.2, NM_001319200.2).
Identifiers: ClinVar variation 2640680 (VCV002640680.24), dbSNP rs374973254, ClinGen allele CA5604900.

ClinVar aggregate classification (germline): Likely benign (1 of 4 stars; one submission).

Allele frequency attached by ClinVar (database versions not stated): ESP Exome Variant Server 0.00008; TOPMed 0.00011; gnomAD exomes 0.00015; ExAC 0.00025; gnomAD 0.00034.
gnomAD v4.1: 282 of 1,610,930 alleles (0.018%); highest among the groups gnomAD compares: Middle Eastern, 0.18%; 1 homozygote.

Submission:

CeGaT Center for Human Genetics Tuebingen
Classification: Likely benign. Last evaluated: 2023-04-01. Review status: criteria provided, single submitter. Criteria: CeGaT Center For Human Genetics Tuebingen Variant Classification Criteria Version 2. Collection method: clinical testing. Allele origin: germline. Affected: yes. Observed: 1 variant allele.
Comment: EXOC6: BP4, BP7